The following is an entry in ClinVar:

NM_005411.5(SFTPA1):c.91G>C (p.Gly31Arg)

Gene: SFTPA1 (surfactant protein A1; plus strand). Cytogenetic location: 10q22.3.
Variant type: single nucleotide variant.
Coding change: c.91G>C on transcript NM_005411.5 (MANE Select); coding-DNA position 91, G replaced by C.
Protein change: p.Gly31Arg; replaces glycine 31 with arginine.
Molecular consequence: missense variant. On other transcripts: intron variant (2).
Genome position (GRCh38, 1-based): chr10:79,611,916, G>C. VCF-style: chr10-79611916-G-C. GRCh37 (hg19) VCF-style: chr10-81371672-G-C.
Other names: c.136G>C, p.Gly46Arg (NM_001093770.3); c.91G>C, p.Gly31Arg (NM_001164644.2, NM_001164647.1); c.85+6G>C (NM_001164646.2); c.130+6G>C (NM_001164645.2); short protein forms G31R, G46R.
Identifiers: ClinVar variation 373663 (VCV000373663.1), dbSNP rs1057518534, ClinGen allele CA16042716.

ClinVar aggregate classification (germline): Uncertain significance (1 of 4 stars; one submission).

Allele frequency attached by ClinVar (database versions not stated): TOPMed below 0.00001.
gnomAD v4.1: 9 of 1,613,948 alleles (0.00056%); highest among the groups gnomAD compares: Non-Finnish European, 0.00076%; no homozygotes.

Submission:

GeneDx
Classification: Uncertain significance. Last evaluated: 2016-12-14. Review status: criteria provided, single submitter. Criteria: GeneDx Variant Classification (06012015). Collection method: clinical testing. Allele origin: germline. Affected: yes.
Comment: The G31R variant in the SFTPA1 gene has not been reported previously as a pathogenic variant, nor as a benign variant, to our knowledge. The G31R variant was not observed in approximately 6500 individuals of European and African American ancestry in the NHLBI Exome Sequencing Project, indicating it is not a common benign variant in these populations. The G31R variant is a non-conservative amino acid substitution, which is likely to impact secondary protein structure as these residues differ in polarity, charge, size and/or other properties. This substitution occurs at a position that is conserved in mammals, and in silico analysis predicts this variant is probably damaging to the protein structure/function. We interpret G31R as a variant of uncertain significance.